The following is an entry in ClinVar:

NM_002232.5(KCNA3):c.1424C>G (p.Pro475Arg)

Gene: KCNA3 (potassium voltage-gated channel subfamily A member 3; minus strand). Cytogenetic location: 1p13.3.
Variant type: single nucleotide variant.
Coding change: c.1424C>G on transcript NM_002232.5 (MANE Select); coding-DNA position 1424, C replaced by G.
Protein change: p.Pro475Arg; replaces proline 475 with arginine.
Molecular consequence: missense variant. On other transcripts: non-coding transcript variant (1).
Genome position (GRCh38, 1-based): chr1:110,673,386, G>C on the plus strand (C>G on the coding strand, the complement: KCNA3 is on the minus strand). VCF-style: chr1-110673386-G-C. GRCh37 (hg19) VCF-style: chr1-111216008-G-C.
Other names: short protein forms P475R.
Identifiers: ClinVar variation 3778567 (VCV003778567.7).

ClinVar aggregate classification (germline): Likely pathogenic (1 of 4 stars; one submission).

Submission:

CeGaT Center for Human Genetics Tuebingen
Classification: Likely pathogenic. Last evaluated: 2025-07-01. Review status: criteria provided, single submitter. Criteria: CeGaT Center For Human Genetics Tuebingen Variant Classification Criteria Version 2. Collection method: clinical testing. Allele origin: germline. Affected: yes. Observed: 1 variant allele.
Comment: KCNA3: PM2, PS2:Moderate, PP2, PP3